The following is an entry in ClinVar:

NM_000127.3(EXT1):c.691G>A (p.Asp231Asn)

Gene: EXT1 (exostosin glycosyltransferase 1; minus strand). Cytogenetic location: 8q24.11.
Variant type: single nucleotide variant.
Coding change: c.691G>A on transcript NM_000127.3 (MANE Select); coding-DNA position 691, G replaced by A.
Protein change: p.Asp231Asn; replaces aspartic acid 231 with asparagine.
Molecular consequence: missense variant.
Genome position (GRCh38, 1-based): chr8:118,110,356, C>T on the plus strand (G>A on the coding strand, the complement: EXT1 is on the minus strand). VCF-style: chr8-118110356-C-T. GRCh37 (hg19) VCF-style: chr8-119122595-C-T.
Other names: short protein forms D231N.
Identifiers: ClinVar variation 4740791 (VCV004740791.1).

ClinVar aggregate classification (germline): Uncertain significance (1 of 4 stars; one submission).

Conditions:
Multiple congenital exostosis (EXT). Also called: Hereditary multiple osteochondromas; Multiple exostoses; MULTIPLE CARTILAGINOUS EXOSTOSES; Multiple osteochondromas; Hereditary multiple exostoses; Hereditary multiple exostosis. Identifiers: Orphanet 321, MedGen C0015306, MONDO:0005508, HP:0002762.

Submission:

Labcorp Genetics (formerly Invitae), Labcorp
Classification: Uncertain significance for Multiple congenital exostosis. Last evaluated: 2025-09-17. Review status: criteria provided, single submitter. Criteria: Invitae Variant Classification Sherloc (09022015). Collection method: clinical testing. Allele origin: germline.
Comment: This sequence change replaces aspartic acid, which is acidic and polar, with asparagine, which is neutral and polar, at codon 231 of the EXT1 protein (p.Asp231Asn). This variant is not present in population databases (gnomAD no frequency). This variant has not been reported in the literature in individuals affected with EXT1-related conditions. Invitae Evidence Modeling of protein sequence and biophysical properties (such as structural, functional, and spatial information, amino acid conservation, physicochemical variation, residue mobility, and thermodynamic stability) indicates that this missense variant is expected to disrupt EXT1 protein function with a positive predictive value of 80%. This variant disrupts the p.Asp231 amino acid residue in EXT1. Other variant(s) that disrupt this residue have been determined to be pathogenic (PMID: 23439489; internal data). This suggests that this residue is clinically significant, and that variants that disrupt this residue are likely to be disease-causing. In summary, the available evidence is currently insufficient to determine the role of this variant in disease. Therefore, it has been classified as a Variant of Uncertain Significance.

Literature cited by the submitters: PubMed 23439489.